The following is an entry in ClinVar:

ClinVar aggregate classification (germline): Uncertain significance. Review status: criteria provided, multiple submitters, no conflicts (2 of 4 stars). 2 submissions from 2 submitters: Uncertain significance (2). Last evaluated 2026-05-01.

Submissions (2):

Women's Health and Genetics/Laboratory Corporation of America, LabCorp
Classification: Uncertain significance. Last evaluated: 2026-05-01. Review status: criteria provided, single submitter. Criteria: LabCorp Variant Classification Summary - May 2015. Collection method: clinical testing. Allele origin: germline.

GeneDx
Classification: Uncertain significance. Last evaluated: 2025-02-20. Review status: criteria provided, single submitter. Criteria: GeneDx Variant Classification Process June 2021. Collection method: clinical testing. Allele origin: germline. Affected: yes.
Comment: Not observed at significant frequency in large population cohorts (gnomAD); In silico analysis supports that this missense variant has a deleterious effect on protein structure/function; Has not been previously published as pathogenic or benign to our knowledge

NM_017617.5(NOTCH1):c.3679C>G (p.Pro1227Ala)

Gene: NOTCH1 (notch receptor 1; minus strand). Cytogenetic location: 9q34.3.
Variant type: single nucleotide variant.
Coding change: c.3679C>G on transcript NM_017617.5 (MANE Select); coding-DNA position 3679, C replaced by G.
Protein change: p.Pro1227Ala; replaces proline 1227 with alanine.
Molecular consequence: missense variant.
Genome position (GRCh38, 1-based): chr9:136,506,938, G>C on the plus strand (C>G on the coding strand, the complement: NOTCH1 is on the minus strand). VCF-style: chr9-136506938-G-C. GRCh37 (hg19) VCF-style: chr9-139401390-G-C.
Other names: short protein forms P1227A.
Identifiers: ClinVar variation 3373031 (VCV003373031.3).